The following is an entry in ClinVar:

NM_005477.3(HCN4):c.3181C>T (p.Pro1061Ser)

Gene: HCN4 (hyperpolarization activated cyclic nucleotide gated potassium channel 4; minus strand). Cytogenetic location: 15q24.1.
Variant type: single nucleotide variant.
Coding change: c.3181C>T on transcript NM_005477.3 (MANE Select); coding-DNA position 3181, C replaced by T.
Protein change: p.Pro1061Ser; replaces proline 1061 with serine.
Molecular consequence: missense variant.
Genome position (GRCh38, 1-based): chr15:73,322,912, G>A on the plus strand (C>T on the coding strand, the complement: HCN4 is on the minus strand). VCF-style: chr15-73322912-G-A. GRCh37 (hg19) VCF-style: chr15-73615253-G-A.
Other names: NM_005477.3:c.3181C>T; p.(Pro1061Ser); short protein forms P1061S.
Identifiers: ClinVar variation 3524371 (VCV003524371.2), dbSNP rs1183768117.
Genomic context (GRCh38, chr15:73,322,912, plus strand): 5'-GGGTGAGGCGGCCGGGGGTGAGCGGGGGTGTGCCCCGGCGCTGGGGGACCTGGGGTGGTG[G>A]GGGGCTGGATGCAGGTGGCAGGAGCAAGGATCCGTGGGAGCCAGAGGCCCGGGGCGGGGC-3'
Protein context (NP_005468.1, residues 1051-1071): SLLLPPASSP[Pro1061Ser]PPQVPQRRGT

ClinVar aggregate classification (germline): Uncertain significance. Review status: criteria provided, multiple submitters, no conflicts (2 of 4 stars). 2 submissions from 2 submitters: Uncertain significance (2). Last evaluated 2025-05-24.

Conditions:
Cardiovascular phenotype. Identifiers: MedGen CN230736.
Brugada syndrome. Also called: Sudden unexpected nocturnal death syndrome; Sudden unexplained nocturnal death syndrome; Sudden Unexplained Death Syndrome; Sudden Unexplained Nocturnal Death Syndrome (SUNDS). Identifiers: Orphanet 130, MedGen C1142166, MONDO:0015263.

gnomAD v4.1: 3 of 1,404,016 alleles (0.00021%); highest among the groups gnomAD compares: Non-Finnish European, 0.00019%; no homozygotes.

Submissions (2):

Department of Genetics and Molecular Biology, Isfahan University of Medical Sciences
Classification: Uncertain significance for Brugada syndrome. Last evaluated: 2025-05-24. Review status: criteria provided, single submitter. Criteria: ACMG Guidelines, 2015. Collection method: clinical testing. Allele origin: germline. Affected: yes.
Comment: Variant c.3181C>T in HCN4 is classified as VUS based on ACMG criteria: PM2 (absent or extremely rare in population databases), PM6 (assumed de novo but without confirmation), and PP3 (multiple computational tools predict deleterious effect). HCN4 encodes a cardiac pacemaker channel critical for sinoatrial node function. This variant affects a conserved residue and has functional evidence supporting impaired channel activity, consistent with Brugada syndrome phenotype in the patient.

HCN4 encodes a hyperpolarization-activated cyclic nucleotide-gated potassium channel critical for cardiac pacemaking. This variant is absent from population databases and predicted deleterious by multiple in silico tools. Functional studies of similar HCN4 variants show reduced channel function, supporting pathogenicity. The classification follows ACMG guidelines and current evidence.

Ambry Genetics
Classification: Uncertain significance for Cardiovascular phenotype. Last evaluated: 2024-11-13. Review status: criteria provided, single submitter. Criteria: Ambry Variant Classification Scheme 2023. Collection method: clinical testing. Allele origin: germline.

Literature cited by the submitters: PubMed 27553229 (cited by Department of Genetics and Molecular Biology, Isfahan University of Medical Sciences).